The following is an entry in ClinVar:

ClinVar aggregate classification (germline): Uncertain significance (1 of 4 stars; one submission).

Submission:

Labcorp Genetics (formerly Invitae), Labcorp
Classification: Uncertain significance. Last evaluated: 2024-07-06. Review status: criteria provided, single submitter. Criteria: Invitae Variant Classification Sherloc (09022015). Collection method: clinical testing. Allele origin: germline.
Comment: This sequence change replaces alanine, which is neutral and non-polar, with threonine, which is neutral and polar, at codon 921 of the ATP1A1 protein (p.Ala921Thr). This variant is not present in population databases (gnomAD no frequency). This variant has not been reported in the literature in individuals affected with ATP1A1-related conditions. Advanced modeling of protein sequence and biophysical properties (such as structural, functional, and spatial information, amino acid conservation, physicochemical variation, residue mobility, and thermodynamic stability) performed at Invitae indicates that this missense variant is not expected to disrupt ATP1A1 protein function with a negative predictive value of 80%. In summary, the available evidence is currently insufficient to determine the role of this variant in disease. Therefore, it has been classified as a Variant of Uncertain Significance.

NM_000701.8(ATP1A1):c.2761G>A (p.Ala921Thr)

Genes: ATP1A1 (ATPase Na+/K+ transporting subunit alpha 1; plus strand), ATP1A1-AS1 (ATP1A1 antisense RNA 1; minus strand). Cytogenetic location: 1p13.1.
Variant type: single nucleotide variant.
Coding change: c.2761G>A on transcript NM_000701.8 (MANE Select); coding-DNA position 2761, G replaced by A.
Protein change: p.Ala921Thr; replaces alanine 921 with threonine.
Molecular consequence: missense variant.
Genome position (GRCh38, 1-based): chr1:116,401,172, G>A. VCF-style: chr1-116401172-G-A. GRCh37 (hg19) VCF-style: chr1-116943794-G-A.
Other names: c.2761G>A, p.Ala921Thr (NM_001160233.2); c.2668G>A, p.Ala890Thr (NM_001160234.2); short protein forms A921T, A890T.
Identifiers: ClinVar variation 3696446 (VCV003696446.2).